The following is an entry in ClinVar:

NM_001282225.2(ADA2):c.415A>G (p.Thr139Ala)

Gene: ADA2 (adenosine deaminase 2; minus strand). Cytogenetic location: 22q11.1.
Variant type: single nucleotide variant.
Coding change: c.415A>G on transcript NM_001282225.2 (MANE Select); coding-DNA position 415, A replaced by G.
Protein change: p.Thr139Ala; replaces threonine 139 with alanine.
Molecular consequence: missense variant.
Genome position (GRCh38, 1-based): chr22:17,207,198, T>C on the plus strand (A>G on the coding strand, the complement: ADA2 is on the minus strand). VCF-style: chr22-17207198-T-C. GRCh37 (hg19) VCF-style: chr22-17688088-T-C.
Other names: c.415A>G, p.Thr139Ala (NM_001282226.2); c.289A>G, p.Thr97Ala (NM_001282227.2, NM_001282228.2); c.55A>G, p.Thr19Ala (NM_001282229.2); short protein forms T139A, T19A, T97A.
Identifiers: ClinVar variation 2173364 (VCV002173364.5), dbSNP rs1206068389, ClinGen allele CA410229751.
Genomic context (GRCh38, chr22:17,207,198, plus strand): 5'-ATTTTTCTGATGGACGGGGAGTTGGGTGAGCAAATCTGAACTGCATGATCCCCCTTGGGG[T>C]GAAACAGATGTGGCAGTGAGGCCTGTAGGTGACATTCCTCACCAGCCAGTCCATAGTCAC-3'
Protein context (NP_001269154.1, residues 129-149): TYRPHCHICF[Thr139Ala]PRGIMQFRFA

ClinVar aggregate classification (germline): Uncertain significance. Review status: criteria provided, multiple submitters, no conflicts (2 of 4 stars). 2 submissions from 2 submitters: Uncertain significance (2). Last evaluated 2024-04-16.

Conditions:
Sneddon syndrome (SNDNS). Also called: LIVEDO RETICULARIS AND CEREBROVASCULAR ACCIDENTS; Idiopathic livedo reticularis with systemic involvement. Identifiers: Orphanet 820, MedGen C0282492, MONDO:0008436, OMIM 182410.
Deficiency of adenosine deaminase 2. Also called: Polyarteritis nodosa, childhoood-onset; Adenosine Deaminase 2 Deficiency; VASCULITIS, AUTOINFLAMMATION, IMMUNODEFICIENCY, AND HEMATOLOGIC DEFECTS SYNDROME. Identifiers: Orphanet 404553, MedGen C3887654, MONDO:0014306, OMIM 615688, MONDO:0100317.

Allele frequency attached by ClinVar (database versions not stated): TOPMed 0.00001.
gnomAD v4.1: 1 of 1,613,898 alleles (0.000062%); highest among the groups gnomAD compares: Admixed American, 0.0017%; no homozygotes.

Submissions (2):

Fulgent Genetics
Classification: Uncertain significance for Sneddon syndrome; Deficiency of adenosine deaminase 2. Last evaluated: 2024-04-16. Review status: criteria provided, single submitter. Criteria: ACMG Guidelines, 2015. Collection method: clinical testing. Allele origin: germline.

Labcorp Genetics (formerly Invitae), Labcorp
Classification: Uncertain significance for Deficiency of adenosine deaminase 2. Last evaluated: 2022-09-09. Review status: criteria provided, single submitter. Criteria: Invitae Variant Classification Sherloc (09022015). Collection method: clinical testing. Allele origin: germline.
Comment: In summary, the available evidence is currently insufficient to determine the role of this variant in disease. Therefore, it has been classified as a Variant of Uncertain Significance. Advanced modeling of protein sequence and biophysical properties (such as structural, functional, and spatial information, amino acid conservation, physicochemical variation, residue mobility, and thermodynamic stability) has been performed at Invitae for this missense variant, however the output from this modeling did not meet the statistical confidence thresholds required to predict the impact of this variant on ADA2 protein function. This variant has not been reported in the literature in individuals affected with ADA2-related conditions. This variant is present in population databases (no rsID available, gnomAD 0.003%). This sequence change replaces threonine, which is neutral and polar, with alanine, which is neutral and non-polar, at codon 139 of the ADA2 protein (p.Thr139Ala).